The following is an entry in ClinVar:

NM_006204.4(PDE6C):c.2135_2140delinsT (p.Glu712fs)

Gene: PDE6C (phosphodiesterase 6C; plus strand). Cytogenetic location: 10q23.33.
Variant type: Indel.
Coding change: c.2135_2140delinsT on transcript NM_006204.4 (MANE Select); coding-DNA positions 2135 to 2140, AGATTA replaced by T.
Protein change: p.Glu712fs; shifts the reading frame from glutamic acid 712.
Molecular consequence: frameshift variant.
Genome position (GRCh38, 1-based): chr10:93,658,999-93,659,004, AGATTA replaced by T. VCF-style: chr10-93658999-AGATTA-T. GRCh37 (hg19) VCF-style: chr10-95418756-AGATTA-T.
Other names: short protein forms E712fs.
Identifiers: ClinVar variation 4781538 (VCV004781538.1).

ClinVar aggregate classification (germline): Pathogenic (1 of 4 stars; one submission).

Submission:

Labcorp Genetics (formerly Invitae), Labcorp
Classification: Pathogenic. Last evaluated: 2025-08-05. Review status: criteria provided, single submitter. Criteria: Invitae Variant Classification Sherloc (09022015). Collection method: clinical testing. Allele origin: germline.
Comment: This sequence change creates a premature translational stop signal (p.Glu712Valfs*10) in the PDE6C gene. It is expected to result in an absent or disrupted protein product. Loss-of-function variants in PDE6C are known to be pathogenic (PMID: 19887631, 23776498, 26103963, 30080950). Information on the frequency of this variant in the gnomAD database is not available, as this variant may be reported differently in the database. This variant has not been reported in the literature in individuals affected with PDE6C-related conditions. For these reasons, this variant has been classified as Pathogenic.

Literature cited by the submitters: PubMed 19887631; PubMed 23776498; PubMed 26103963; PubMed 30080950.